The following is an entry in ClinVar:

NM_020937.4(FANCM):c.3703G>C (p.Gly1235Arg)

Gene: FANCM (FA complementation group M; plus strand). Cytogenetic location: 14q21.2.
Variant type: single nucleotide variant.
Coding change: c.3703G>C on transcript NM_020937.4 (MANE Select); coding-DNA position 3703, G replaced by C.
Protein change: p.Gly1235Arg; replaces glycine 1235 with arginine.
Molecular consequence: missense variant.
Genome position (GRCh38, 1-based): chr14:45,176,457, G>C. VCF-style: chr14-45176457-G-C. GRCh37 (hg19) VCF-style: chr14-45645660-G-C.
Other names: c.3625G>C, p.Gly1209Arg (NM_001308133.2); short protein forms G1209R, G1235R.
Identifiers: ClinVar variation 950488 (VCV000950488.9), dbSNP rs1888706953, ClinGen allele CA389602666.

ClinVar aggregate classification (germline): Uncertain significance (1 of 4 stars; one submission).

Conditions:
Fanconi anemia (FA). Also called: Fanconi's anemia. Identifiers: Orphanet 84, MedGen C0015625, MeSH D005199, MONDO:0019391.

Allele frequency attached by ClinVar (database versions not stated): TOPMed below 0.00001.

Submission:

Labcorp Genetics (formerly Invitae), Labcorp
Classification: Uncertain significance for Fanconi anemia. Last evaluated: 2022-07-26. Review status: criteria provided, single submitter. Criteria: Invitae Variant Classification Sherloc (09022015). Collection method: clinical testing. Allele origin: germline.
Comment: This variant is not present in population databases (gnomAD no frequency). This sequence change replaces glycine, which is neutral and non-polar, with arginine, which is basic and polar, at codon 1235 of the FANCM protein (p.Gly1235Arg). This variant has not been reported in the literature in individuals affected with FANCM-related conditions. In summary, the available evidence is currently insufficient to determine the role of this variant in disease. Therefore, it has been classified as a Variant of Uncertain Significance. Algorithms developed to predict the effect of missense changes on protein structure and function are either unavailable or do not agree on the potential impact of this missense change (SIFT: "Deleterious"; PolyPhen-2: "Probably Damaging"; Align-GVGD: "Class C0"). ClinVar contains an entry for this variant (Variation ID: 950488).